The following is an entry in ClinVar:

ClinVar aggregate classification (germline): Uncertain significance (1 of 4 stars; one submission).

Conditions:
Granulomatous disease, chronic, autosomal recessive, cytochrome b-positive, type 2. Also called: GRANULOMATOUS DISEASE, CHRONIC, AUTOSOMAL RECESSIVE, 2; Chronic granulomatous disease due to deficiency of NCF-2; CGD, AUTOSOMAL RECESSIVE CYTOCHROME b-POSITIVE, TYPE II; GRANULOMATOUS DISEASE, CHRONIC, DUE TO NCF2 DEFICIENCY; Chronic Granulomatous Disease, Autosomal Recessive, Cytochrome b-Positive, Type II. Identifiers: Orphanet 379, MedGen C1856245, MONDO:0009310, OMIM 233710.

Submission:

Labcorp Genetics (formerly Invitae), Labcorp
Classification: Uncertain significance for Granulomatous disease, chronic, autosomal recessive, cytochrome b-positive, type 2. Last evaluated: 2022-08-15. Review status: criteria provided, single submitter. Criteria: Invitae Variant Classification Sherloc (09022015). Collection method: clinical testing. Allele origin: germline.
Comment: Variants that disrupt the consensus splice site are a relatively common cause of aberrant splicing (PMID: 17576681, 9536098). Algorithms developed to predict the effect of sequence changes on RNA splicing suggest that this variant may disrupt the consensus splice site. In summary, the available evidence is currently insufficient to determine the role of this variant in disease. Therefore, it has been classified as a Variant of Uncertain Significance. ClinVar contains an entry for this variant (Variation ID: 1053806). This variant has not been reported in the literature in individuals affected with NCF2-related conditions. This variant is not present in population databases (gnomAD no frequency). This sequence change falls in intron 7 of the NCF2 gene. It does not directly change the encoded amino acid sequence of the NCF2 protein. It affects a nucleotide within the consensus splice site.

Literature cited by the submitters: PubMed 17576681; PubMed 9536098.

NM_000433.4(NCF2):c.713+4A>G

Gene: NCF2 (neutrophil cytosolic factor 2; minus strand). Cytogenetic location: 1q25.3.
Variant type: single nucleotide variant.
Coding change: c.713+4A>G on transcript NM_000433.4 (MANE Select); 4 bases into the intron after coding-DNA position 713, A replaced by G.
Molecular consequence: intron variant.
Genome position (GRCh38, 1-based): chr1:183,569,138, T>C on the plus strand (A>G on the coding strand, the complement: NCF2 is on the minus strand). VCF-style: chr1-183569138-T-C. GRCh37 (hg19) VCF-style: chr1-183538273-T-C.
Other names: c.713+4A>G (NM_001127651.3); c.470+4A>G (NM_001190789.2); c.578+4A>G (NM_001190794.2).
Identifiers: ClinVar variation 1053806 (VCV001053806.7), dbSNP rs2102895069, ClinGen allele CA2499214348.